The following is an entry in ClinVar:

NM_002361.4(MAG):c.1609C>T (p.Arg537Cys)

Gene: MAG (myelin associated glycoprotein; plus strand). Cytogenetic location: 19q13.12.
Variant type: single nucleotide variant.
Coding change: c.1609C>T on transcript NM_002361.4 (MANE Select); coding-DNA position 1609, C replaced by T.
Protein change: p.Arg537Cys; replaces arginine 537 with cysteine.
Molecular consequence: missense variant.
Genome position (GRCh38, 1-based): chr19:35,310,636, C>T. VCF-style: chr19-35310636-C-T. GRCh37 (hg19) VCF-style: chr19-35801539-C-T.
Other names: p.Arg537Cys; c.1534C>T, p.Arg512Cys (NM_001199216.2); c.1609C>T, p.Arg537Cys (NM_080600.3); short protein forms R512C, R537C.
Identifiers: ClinVar variation 705599 (VCV000705599.32), dbSNP rs35237014, ClinGen allele CA9376323.

ClinVar aggregate classification (germline): Conflicting classifications of pathogenicity. Review status: criteria provided, conflicting classifications (1 of 4 stars). 5 submissions from 5 submitters: Uncertain significance (1); Likely benign (3). 1 of the submissions does not count toward it. Last evaluated 2026-02-01.

Conditions:
MAG-related disorder. Also called: MAG-related condition.
Hereditary spastic paraplegia 75. Also called: Spastic paraplegia 75, autosomal recessive. Identifiers: Orphanet 459056, MedGen C4225250, MONDO:0014729, OMIM 616680.

Allele frequency attached by ClinVar (database versions not stated): gnomAD exomes 0.00074; ExAC 0.00095; gnomAD 0.00232 and 0.00252; TOPMed 0.00284; 1000 Genomes Project 0.00319; ESP Exome Variant Server 0.00361; 1000 Genomes Project 30x 0.00406.
gnomAD v4.1: 1,334 of 1,613,992 alleles (0.083%); highest among the groups gnomAD compares: African/African-American, 0.85%; 2 homozygotes.

Submissions (5):

CeGaT Center for Human Genetics Tuebingen
Classification: Likely benign. Last evaluated: 2026-02-01. Review status: criteria provided, single submitter. Criteria: CeGaT Center For Human Genetics Tuebingen Variant Classification Criteria Version 2. Collection method: clinical testing. Allele origin: germline. Affected: yes. Observed: 3 variant alleles.
Comment: MAG: BS2

Labcorp Genetics (formerly Invitae), Labcorp
Classification: Likely benign for Hereditary spastic paraplegia 75. Last evaluated: 2026-01-19. Review status: criteria provided, single submitter. Criteria: Invitae Variant Classification Sherloc (09022015). Collection method: clinical testing. Allele origin: germline.

Mayo Clinic Laboratories, Mayo Clinic
Classification: Uncertain significance. Last evaluated: 2024-11-14. Review status: criteria provided, single submitter. Criteria: ACMG Guidelines, 2015. Collection method: clinical testing. Allele origin: germline. Observed: 1 variant allele.

Breakthrough Genomics
Classification: Likely benign. Review status: criteria provided, single submitter. Criteria: ACMG Guidelines, 2015. Collection method: not provided. Allele origin: germline. Inheritance: Autosomal recessive inheritance. Affected: yes.

PreventionGenetics, part of Exact Sciences
Classification: Benign for MAG-related condition. Last evaluated: 2019-12-20. Review status: no assertion criteria provided. Collection method: clinical testing. Allele origin: germline. Not counted in ClinVar's aggregate classification.
Comment: This variant is classified as benign based on ACMG/AMP sequence variant interpretation guidelines (Richards et al. 2015 PMID: 25741868, with internal and published modifications).

Literature cited by the submitters: PubMed 12020971 (cited by Mayo Clinic Laboratories, Mayo Clinic).